The following is an entry in ClinVar:

NM_007167.4(ZMYM6):c.3697G>A (p.Glu1233Lys)

Gene: ZMYM6 (zinc finger MYM-type containing 6; minus strand). Cytogenetic location: 1p34.3.
Variant type: single nucleotide variant.
Coding change: c.3697G>A on transcript NM_007167.4 (MANE Select); coding-DNA position 3697, G replaced by A.
Protein change: p.Glu1233Lys; replaces glutamic acid 1233 with lysine.
Molecular consequence: missense variant.
Genome position (GRCh38, 1-based): chr1:34,987,385, C>T on the plus strand (G>A on the coding strand, the complement: ZMYM6 is on the minus strand). VCF-style: chr1-34987385-C-T. GRCh37 (hg19) VCF-style: chr1-35452986-C-T.
Other names: short protein forms E1233K.
Identifiers: ClinVar variation 3056816 (VCV003056816.2), dbSNP rs16837147, ClinGen allele CA756187.

ClinVar aggregate classification (germline): Benign (0 of 4 stars; one submission).

Conditions:
ZMYM6-related disorder. Also called: ZMYM6-related condition.

Allele frequency attached by ClinVar (database versions not stated): ESP Exome Variant Server 0.05500; gnomAD 0.05699; TOPMed 0.06355; 1000 Genomes Project 0.06629; 1000 Genomes Project 30x 0.07027.
gnomAD v4.1: 22,134 of 1,613,918 alleles (1.4%); highest among the groups gnomAD compares: African/African-American, 19%; 1,460 homozygotes.

Submission:

PreventionGenetics, part of Exact Sciences
Classification: Benign for ZMYM6-related condition. Last evaluated: 2019-04-11. Review status: no assertion criteria provided. Collection method: clinical testing. Allele origin: germline.
Comment: This variant is classified as benign based on ACMG/AMP sequence variant interpretation guidelines (Richards et al. 2015 PMID: 25741868, with internal and published modifications).